The following is an entry in ClinVar:

NM_002772.3(TMPRSS15):c.2312-1G>A

Gene: TMPRSS15 (transmembrane serine protease 15; minus strand). Cytogenetic location: 21q21.1.
Variant type: single nucleotide variant.
Coding change: c.2312-1G>A on transcript NM_002772.3 (MANE Select); the canonical splice acceptor site of the intron before coding-DNA position 2312, G replaced by A.
Molecular consequence: splice acceptor variant.
Genome position (GRCh38, 1-based): chr21:18,294,445, C>T on the plus strand (G>A on the coding strand, the complement: TMPRSS15 is on the minus strand). VCF-style: chr21-18294445-C-T. GRCh37 (hg19) VCF-style: chr21-19666762-C-T.
Identifiers: ClinVar variation 1984367 (VCV001984367.4), dbSNP rs143432711, ClinGen allele CA9984092.

ClinVar aggregate classification (germline): Likely pathogenic (1 of 4 stars; one submission).

Allele frequency attached by ClinVar (database versions not stated): gnomAD 0.00001; ExAC 0.00002; TOPMed 0.00002; ESP Exome Variant Server 0.00008.
gnomAD v4.1: 74 of 1,614,050 alleles (0.0046%); highest among the groups gnomAD compares: Non-Finnish European, 0.0058%; no homozygotes.

Submission:

Labcorp Genetics (formerly Invitae), Labcorp
Classification: Likely pathogenic. Last evaluated: 2025-05-15. Review status: criteria provided, single submitter. Criteria: Invitae Variant Classification Sherloc (09022015). Collection method: clinical testing. Allele origin: germline.
Comment: This sequence change affects an acceptor splice site in intron 20 of the TMPRSS15 gene. It is expected to disrupt RNA splicing. Variants that disrupt the donor or acceptor splice site typically lead to a loss of protein function (PMID: 16199547), and loss-of-function variants in TMPRSS15 are known to be pathogenic (PMID: 11719902). This variant is present in population databases (rs143432711, gnomAD 0.004%). This variant has not been reported in the literature in individuals affected with TMPRSS15-related conditions. ClinVar contains an entry for this variant (Variation ID: 1984367). Algorithms developed to predict the effect of sequence changes on RNA splicing suggest that this variant may disrupt the consensus splice site. In summary, the currently available evidence indicates that the variant is pathogenic, but additional data are needed to prove that conclusively. Therefore, this variant has been classified as Likely Pathogenic.

Literature cited by the submitters: PubMed 16199547; PubMed 11719902.